The following is an entry in ClinVar:

NM_032608.7(MYO18B):c.5617C>T (p.Arg1873Trp)

Gene: MYO18B (myosin XVIIIB; plus strand). Cytogenetic location: 22q12.1.
Variant type: single nucleotide variant.
Coding change: c.5617C>T on transcript NM_032608.7 (MANE Select); coding-DNA position 5617, C replaced by T.
Protein change: p.Arg1873Trp; replaces arginine 1873 with tryptophan.
Molecular consequence: missense variant.
Genome position (GRCh38, 1-based): chr22:25,946,236, C>T. VCF-style: chr22-25946236-C-T. GRCh37 (hg19) VCF-style: chr22-26342202-C-T.
Other names: p.Arg1873Trp; c.5620C>T, p.Arg1874Trp (NM_001318245.2); short protein forms R1874W, R1873W.
Identifiers: ClinVar variation 1359891 (VCV001359891.10), dbSNP rs200836097, ClinGen allele CA10161213.

ClinVar aggregate classification (germline): Uncertain significance. Review status: criteria provided, multiple submitters, no conflicts (2 of 4 stars). 4 submissions from 4 submitters: Uncertain significance (4). Last evaluated 2026-01-01.

Conditions:
Inborn genetic diseases. Identifiers: MedGen C0950123, MeSH D030342.

Allele frequency attached by ClinVar (database versions not stated): ExAC 0.00020; ESP Exome Variant Server 0.00048.
gnomAD v4.1: 316 of 1,575,190 alleles (0.02%); highest among the groups gnomAD compares: African/African-American, 0.067%; no homozygotes.

Submissions (4):

Labcorp Genetics (formerly Invitae), Labcorp
Classification: Uncertain significance. Last evaluated: 2026-01-01. Review status: criteria provided, single submitter. Criteria: Invitae Variant Classification Sherloc (09022015). Collection method: clinical testing. Allele origin: germline.
Comment: This sequence change replaces arginine, which is basic and polar, with tryptophan, which is neutral and slightly polar, at codon 1873 of the MYO18B protein (p.Arg1873Trp). This variant is present in population databases (rs200836097, gnomAD 0.04%). This variant has not been reported in the literature in individuals affected with MYO18B-related conditions. ClinVar contains an entry for this variant (Variation ID: 1359891). An algorithm developed to predict the effect of missense changes on protein structure and function (PolyPhen-2) suggests that this variant is likely to be disruptive. In summary, the available evidence is currently insufficient to determine the role of this variant in disease. Therefore, it has been classified as a Variant of Uncertain Significance.

Ambry Genetics
Classification: Uncertain significance for Inborn genetic diseases. Last evaluated: 2024-08-20. Review status: criteria provided, single submitter. Criteria: Ambry Variant Classification Scheme 2023. Collection method: clinical testing. Allele origin: germline.

GeneDx
Classification: Uncertain significance. Last evaluated: 2023-01-09. Review status: criteria provided, single submitter. Criteria: GeneDx Variant Classification Process June 2021. Collection method: clinical testing. Allele origin: germline. Affected: yes.
Comment: In silico analysis supports that this missense variant has a deleterious effect on protein structure/function; Has not been previously published as pathogenic or benign to our knowledge

Mayo Clinic Laboratories, Mayo Clinic
Classification: Uncertain significance. Last evaluated: 2021-05-19. Review status: criteria provided, single submitter. Criteria: ACMG Guidelines, 2015. Collection method: clinical testing. Allele origin: germline.